The following is an entry in ClinVar:

NM_001365951.3(KIF1B):c.3911G>A (p.Ser1304Asn)

Gene: KIF1B (kinesin family member 1B; plus strand). Cytogenetic location: 1p36.22.
Variant type: single nucleotide variant.
Coding change: c.3911G>A on transcript NM_001365951.3 (MANE Select); coding-DNA position 3911, G replaced by A.
Protein change: p.Ser1304Asn; replaces serine 1304 with asparagine.
Molecular consequence: missense variant.
Genome position (GRCh38, 1-based): chr1:10,348,695, G>A. VCF-style: chr1-10348695-G-A. GRCh37 (hg19) VCF-style: chr1-10408753-G-A.
Other names: c.3911G>A, p.Ser1304Asn (NM_001365952.1); c.3773G>A, p.Ser1258Asn (NM_015074.3); short protein forms S1258N, S1304N.
Identifiers: ClinVar variation 1734778 (VCV001734778.2), dbSNP rs2521799006, ClinGen allele CA338343684.

ClinVar aggregate classification (germline): Uncertain significance (1 of 4 stars; one submission).

Submission:

Ambry Genetics
Classification: Uncertain significance. Last evaluated: 2021-08-31. Review status: criteria provided, single submitter. Criteria: Ambry Variant Classification Scheme 2023. Collection method: clinical testing. Allele origin: germline.
Comment: The p.S1258N variant (also known as c.3773G>A), located in coding exon 34 of the KIF1B gene, results from a G to A substitution at nucleotide position 3773. The serine at codon 1258 is replaced by asparagine, an amino acid with highly similar properties. This amino acid position is well conserved in available vertebrate species. In addition, this alteration is predicted to be tolerated by in silico analysis. Since supporting evidence is limited at this time, the clinical significance of this alteration remains unclear.